The following is an entry in ClinVar:

ClinVar aggregate classification (germline): Pathogenic (1 of 4 stars; one submission).

Conditions:
Focal segmental glomerulosclerosis 7 (FSGS7). Identifiers: Orphanet 656, MedGen C4014925, MONDO:0014451, OMIM 616002.
Renal coloboma syndrome (PAPRS). Also called: PAPILLORENAL SYNDROME; COLOBOMA OF OPTIC NERVE WITH RENAL DISEASE; OPTIC COLOBOMA, VESICOURETERAL REFLUX, AND RENAL ANOMALIES; OPTIC NERVE COLOBOMA WITH RENAL DISEASE; RENAL-COLOBOMA SYNDROME WITH MACULAR ABNORMALITIES; PAPILLORENAL SYNDROME WITH MILD OCULAR ABNORMALITIES. Identifiers: Orphanet 1475, MedGen C1852759, MONDO:0007352, OMIM 120330.

Submission:

Labcorp Genetics (formerly Invitae), Labcorp
Classification: Pathogenic for Renal coloboma syndrome; Focal segmental glomerulosclerosis 7. Last evaluated: 2024-11-19. Review status: criteria provided, single submitter. Criteria: Invitae Variant Classification Sherloc (09022015). Collection method: clinical testing. Allele origin: germline.
Comment: This sequence change creates a premature translational stop signal (p.Glu121*) in the PAX2 gene. It is expected to result in an absent or disrupted protein product. Loss-of-function variants in PAX2 are known to be pathogenic (PMID: 11461952, 24676634, 35444690). This variant is not present in population databases (gnomAD no frequency). This variant has not been reported in the literature in individuals affected with PAX2-related conditions. For these reasons, this variant has been classified as Pathogenic.

Literature cited by the submitters: PubMed 11461952; PubMed 24676634; PubMed 35444690.

NM_000278.5(PAX2):c.361G>T (p.Glu121Ter)

Gene: PAX2 (paired box 2; plus strand). Cytogenetic location: 10q24.31.
Variant type: single nucleotide variant.
Coding change: c.361G>T on transcript NM_000278.5 (MANE Select); coding-DNA position 361, G replaced by T.
Protein change: p.Glu121Ter; replaces glutamic acid 121 with a stop codon.
Molecular consequence: nonsense.
Genome position (GRCh38, 1-based): chr10:100,750,842, G>T. VCF-style: chr10-100750842-G-T. GRCh37 (hg19) VCF-style: chr10-102510599-G-T.
Other names: c.454G>T, p.Glu152Ter (NM_001304569.2); c.361G>T, p.Glu121Ter (NM_003987.5, NM_003988.5, NM_003989.5 and 1 more transcripts); short protein forms E121*, E152*.
Identifiers: ClinVar variation 3759838 (VCV003759838.2).